The following is an entry in ClinVar:

ClinVar aggregate classification (germline): Likely pathogenic (1 of 4 stars; one submission).

Conditions:
Hereditary cancer-predisposing syndrome. Also called: Neoplastic Syndromes, Hereditary; Tumor predisposition; Hereditary neoplastic syndrome; Hereditary Cancer Syndrome. Identifiers: Orphanet 140162, MedGen C0027672, MeSH D009386, MONDO:0015356.
Cardiovascular phenotype. Identifiers: MedGen CN230736.

Submission:

Ambry Genetics
Classification: Likely pathogenic for Cardiovascular phenotype; Hereditary cancer-predisposing syndrome. Last evaluated: 2022-12-21. Review status: criteria provided, single submitter. Criteria: Ambry Variant Classification Scheme 2023. Collection method: clinical testing. Allele origin: germline.
Comment: The c.4269+1dupG intronic variant results from a duplication of one nucleotide after coding exon 31 of the NF1 gene. In silico splice site analysis predicts that this alteration will weaken the native splice donor site and will result in the creation or strengthening of a novel splice donor site; however, direct evidence is insufficient at this time (Ambry internal data). This variant is considered to be rare based on population cohorts in the Genome Aggregation Database (gnomAD). Alterations that disrupt the canonical splice site are expected to cause aberrant splicing, resulting in an abnormal protein or a transcript that is subject to nonsense-mediated mRNA decay. As such, this alteration is classified as likely pathogenic.

NM_001042492.3(NF1):c.4332+1dup

Gene: NF1 (neurofibromin 1; plus strand). Cytogenetic location: 17q11.2.
Variant type: Duplication.
Coding change: c.4332+1dup on transcript NM_001042492.3 (MANE Select); the canonical splice donor site of the intron after coding-DNA position 4332, one base duplicated (G; older notation c.4332+1dupG).
Molecular consequence: splice donor variant.
Genome position (GRCh38, 1-based): chr17:31,258,503, G duplicated; the last of 2 consecutive G bases (chr17:31,258,502-31,258,503); duplicating either gives the same sequence. VCF-style (leftmost placement, unchanged base first): chr17-31258501-A-AG. GRCh37 (hg19) VCF-style: chr17-29585519-A-AG.
Other names: c.4269+1dupG (NM_000267.3); c.4269+1dup (NM_000267.4).
Identifiers: ClinVar variation 2452233 (VCV002452233.2), dbSNP rs1567862095, ClinGen allele CA2580092962.